The following is an entry in ClinVar:

NM_030973.4(MED25):c.942C>T (p.Pro314=)

Gene: MED25 (mediator complex subunit 25; plus strand). Cytogenetic location: 19q13.33.
Variant type: single nucleotide variant.
Coding change: c.942C>T on transcript NM_030973.4 (MANE Select); coding-DNA position 942, C replaced by T.
Protein change: p.Pro314=; no amino-acid change (proline 314 retained).
Molecular consequence: synonymous variant.
Genome position (GRCh38, 1-based): chr19:49,830,728, C>T. VCF-style: chr19-49830728-C-T. GRCh37 (hg19) VCF-style: chr19-50333985-C-T.
Other names: c.942C>T, p.Pro314= (NM_001378355.1).
Identifiers: ClinVar variation 1124828 (VCV001124828.33), dbSNP rs373971747, ClinGen allele CA9585096.

ClinVar aggregate classification (germline): Likely benign. Review status: criteria provided, multiple submitters, no conflicts (2 of 4 stars). 3 submissions from 3 submitters: Likely benign (3). Last evaluated 2026-03-01.

Conditions:
Charcot-Marie-Tooth disease type 2. Also called: Charcot-Marie-Tooth type 2. Identifiers: Orphanet 64746, MedGen C0270914, MONDO:0018993.

Allele frequency attached by ClinVar (database versions not stated): ESP Exome Variant Server 0.00008; gnomAD 0.00008 and 0.00009.
gnomAD v4.1: 101 of 1,613,836 alleles (0.0063%); highest among the groups gnomAD compares: African/African-American, 0.021%; no homozygotes.

Submissions (3):

CeGaT Center for Human Genetics Tuebingen
Classification: Likely benign. Last evaluated: 2026-03-01. Review status: criteria provided, single submitter. Criteria: CeGaT Center For Human Genetics Tuebingen Variant Classification Criteria Version 2. Collection method: clinical testing. Allele origin: germline. Affected: yes. Observed: 2 variant alleles.
Comment: MED25: BP4, BP7

Labcorp Genetics (formerly Invitae), Labcorp
Classification: Likely benign for Charcot-Marie-Tooth disease type 2. Last evaluated: 2025-05-12. Review status: criteria provided, single submitter. Criteria: Invitae Variant Classification Sherloc (09022015). Collection method: clinical testing. Allele origin: germline.

Blueprint Genetics
Classification: Likely benign. Last evaluated: 2024-10-14. Review status: criteria provided, single submitter. Criteria: ACMG Guidelines, 2015. Collection method: clinical testing. Allele origin: germline.